The following is an entry in ClinVar:

NM_002529.4(NTRK1):c.2205+163T>G

Gene: NTRK1 (neurotrophic receptor tyrosine kinase 1; plus strand). Cytogenetic location: 1q23.1.
Variant type: single nucleotide variant.
Coding change: c.2205+163T>G on transcript NM_002529.4 (MANE Select); 163 bases into the intron after coding-DNA position 2205, T replaced by G.
Molecular consequence: intron variant.
Genome position (GRCh38, 1-based): chr1:156,880,320, T>G. VCF-style: chr1-156880320-T-G. GRCh37 (hg19) VCF-style: chr1-156850112-T-G.
Other names: c.2097+163T>G (NM_001007792.1); c.2187+163T>G (NM_001012331.2).
Identifiers: ClinVar variation 667766 (VCV000667766.1), dbSNP rs2274500, ClinGen allele CA10988919.

ClinVar aggregate classification (germline): Benign (1 of 4 stars; one submission).

Allele frequency attached by ClinVar (database versions not stated): 1000 Genomes Project 0.66673; 1000 Genomes Project 30x 0.66771; TOPMed 0.81585; gnomAD 0.82702 and 0.83523; gnomAD exomes 0.87159.
gnomAD v4.1: 612,829 of 710,822 alleles (86%); highest among the groups gnomAD compares: Non-Finnish European, 93%; 270,536 homozygotes.

Submission:

GeneDx
Classification: Benign. Last evaluated: 2018-06-14. Review status: criteria provided, single submitter. Criteria: GeneDx Variant Classification (06012015). Collection method: clinical testing. Allele origin: germline. Affected: yes.
Comment: This variant is considered likely benign or benign based on one or more of the following criteria: it is a conservative change, it occurs at a poorly conserved position in the protein, it is predicted to be benign by multiple in silico algorithms, and/or has population frequency not consistent with disease.